The following is an entry in ClinVar:

NM_004415.4(DSP):c.307C>G (p.Arg103Gly)

Gene: DSP (desmoplakin; plus strand). Cytogenetic location: 6p24.3.
Variant type: single nucleotide variant.
Coding change: c.307C>G on transcript NM_004415.4 (MANE Select); coding-DNA position 307, C replaced by G.
Protein change: p.Arg103Gly; replaces arginine 103 with glycine.
Molecular consequence: missense variant.
Genome position (GRCh38, 1-based): chr6:7,558,149, C>G. VCF-style: chr6-7558149-C-G. GRCh37 (hg19) VCF-style: chr6-7558382-C-G.
Other names: c.307C>G, p.Arg103Gly (NM_001008844.3, NM_001319034.2, NM_001406591.1); short protein forms R103G.
Identifiers: ClinVar variation 2928728 (VCV002928728.3), dbSNP rs375028675, ClinGen allele CA036821.

ClinVar aggregate classification (germline): Uncertain significance (1 of 4 stars; one submission).

Conditions:
Arrhythmogenic cardiomyopathy with wooly hair and keratoderma. Also called: Arrhythmogenic cardiomyopathy with woolly hair and keratoderma; Dilated cardiomyopathy with woolly hair and keratoderma; PALMOPLANTAR KERATODERMA WITH LEFT VENTRICULAR CARDIOMYOPATHY AND WOOLLY HAIR; Carvajal syndrome. Identifiers: Orphanet 65282, MedGen C1854063, MONDO:0011581, OMIM 605676.
Arrhythmogenic right ventricular dysplasia 8 (ARVD8). Also called: Arrhythmogenic Right Ventricular Dysplasia/Cardiomyopathy 8; ARRHYTHMOGENIC RIGHT VENTRICULAR DYSPLASIA, FAMILIAL, 8; ARRHYTHMOGENIC RIGHT VENTRICULAR CARDIOMYOPATHY 8. Identifiers: MedGen C1843896, MONDO:0011831, OMIM 607450.

gnomAD v4.1: 1 of 1,614,198 alleles (0.000062%); highest among the groups gnomAD compares: Non-Finnish European, 0.000085%; no homozygotes.

Submission:

Labcorp Genetics (formerly Invitae), Labcorp
Classification: Uncertain significance for Arrhythmogenic cardiomyopathy with wooly hair and keratoderma; Arrhythmogenic right ventricular dysplasia 8. Last evaluated: 2022-11-22. Review status: criteria provided, single submitter. Criteria: Invitae Variant Classification Sherloc (09022015). Collection method: clinical testing. Allele origin: germline.
Comment: In summary, the available evidence is currently insufficient to determine the role of this variant in disease. Therefore, it has been classified as a Variant of Uncertain Significance. Algorithms developed to predict the effect of missense changes on protein structure and function (SIFT, PolyPhen-2, Align-GVGD) all suggest that this variant is likely to be tolerated. This variant has not been reported in the literature in individuals affected with DSP-related conditions. This variant is present in population databases (rs375028675, gnomAD 0.0009%). This sequence change replaces arginine, which is basic and polar, with glycine, which is neutral and non-polar, at codon 103 of the DSP protein (p.Arg103Gly).